The following is an entry in ClinVar:

NM_032444.4(SLX4):c.4485G>A (p.Ala1495=)

Gene: SLX4 (SLX4 structure-specific endonuclease subunit; minus strand). Cytogenetic location: 16p13.3.
Variant type: single nucleotide variant.
Coding change: c.4485G>A on transcript NM_032444.4 (MANE Select); coding-DNA position 4485, G replaced by A.
Protein change: p.Ala1495=; no amino-acid change (alanine 1495 retained).
Molecular consequence: synonymous variant.
Genome position (GRCh38, 1-based): chr16:3,589,153, C>T on the plus strand (G>A on the coding strand, the complement: SLX4 is on the minus strand). VCF-style: chr16-3589153-C-T. GRCh37 (hg19) VCF-style: chr16-3639154-C-T.
Identifiers: ClinVar variation 1582322 (VCV001582322.10), dbSNP rs140872903, ClinGen allele CA7865623.

ClinVar aggregate classification (germline): Conflicting classifications of pathogenicity. Review status: criteria provided, conflicting classifications (1 of 4 stars). 3 submissions from 3 submitters: Uncertain significance (1); Likely benign (2). Last evaluated 2025-12-03.

Conditions:
Fanconi anemia (FA). Also called: Fanconi's anemia. Identifiers: Orphanet 84, MedGen C0015625, MeSH D005199, MONDO:0019391.

gnomAD v4.1: 57 of 1,613,978 alleles (0.0035%); highest among the groups gnomAD compares: Non-Finnish European, 0.0044%; no homozygotes.

Submissions (3):

Labcorp Genetics (formerly Invitae), Labcorp
Classification: Likely benign for Fanconi anemia. Last evaluated: 2025-12-03. Review status: criteria provided, single submitter. Criteria: Invitae Variant Classification Sherloc (09022015). Collection method: clinical testing. Allele origin: germline.

Blueprint Genetics
Classification: Likely benign. Last evaluated: 2024-07-23. Review status: criteria provided, single submitter. Criteria: ACMG Guidelines, 2015. Collection method: clinical testing. Allele origin: germline.

Sema4
Classification: Uncertain significance for Fanconi anemia. Last evaluated: 2021-08-26. Review status: criteria provided, single submitter. Criteria: Sema4 Curation Guidelines. Collection method: curation. Allele origin: germline.
Comment: The SLX4 c.4485G>A (p.A1495=) variant has not been reported in the literature to our knowledge. It was observed in 4/251304 chromosomes in in the large and broad cohorts of the Genome Aggregation Database (PMID: 32461654). The variant has not been reported in ClinVar. In silico tools suggest that the variant may create or strengthen a cryptic splice site, though these predictions have not been confirmed by functional studies. The evidence is insufficient to meet ACMG/AMP criteria for classifying the variant as benign or pathogenic. Thus, the clinical significance of this variant is currently uncertain.